The following is an entry in ClinVar:

NM_020975.6(RET):c.79T>C (p.Leu27=)

Gene: RET (ret proto-oncogene; plus strand). Cytogenetic location: 10q11.21.
Variant type: single nucleotide variant.
Coding change: c.79T>C on transcript NM_020975.6 (MANE Select); coding-DNA position 79, T replaced by C.
Protein change: p.Leu27=; no amino-acid change (leucine 27 retained).
Molecular consequence: synonymous variant. On other transcripts: intron variant (4).
Genome position (GRCh38, 1-based): chr10:43,100,464, T>C. VCF-style: chr10-43100464-T-C. GRCh37 (hg19) VCF-style: chr10-43595912-T-C.
Other names: c.79T>C, p.Leu27= (NM_000323.2, NM_001406743.1, NM_001406744.1 and 34 more transcripts); c.74-8567T>C (NM_001406784.1); c.74-11635T>C (NM_001406794.1, NM_001406792.1, NM_001406793.1).
Identifiers: ClinVar variation 413462 (VCV000413462.41), dbSNP rs377160777, ClinGen allele CA044932.

ClinVar aggregate classification (germline): Likely benign. Review status: criteria provided, multiple submitters, no conflicts (2 of 4 stars). 7 submissions from 7 submitters: Likely benign (7). Last evaluated 2026-01-26.

Conditions:
Hereditary cancer-predisposing syndrome. Also called: Tumor predisposition; Hereditary Cancer Syndrome; Hereditary neoplastic syndrome; Neoplastic Syndromes, Hereditary. Identifiers: Orphanet 140162, MedGen C0027672, MeSH D009386, MONDO:0015356.
Multiple endocrine neoplasia, type 2 (MEN2). Identifiers: Orphanet 653, MedGen C4048306, MONDO:0019003. Disease mechanism: gain of function.
Hirschsprung disease, susceptibility to, 1 (HSCR1). Also called: RET-Related Hirschsprung Disease. Identifiers: Orphanet 388, MedGen C3888239, MONDO:0007723, OMIM 142623.
Multiple endocrine neoplasia type 2B. Also called: WAGENMANN-FROBOESE SYNDROME; MULTIPLE ENDOCRINE NEOPLASIA, TYPE III; MULTIPLE ENDOCRINE NEOPLASIA, TYPE IIB; MEN IIB; NEUROMATA, MUCOSAL, WITH ENDOCRINE TUMORS; MEN 2B. Identifiers: Orphanet 247709, Orphanet 653, MedGen C0025269, MeSH D018814, MONDO:0008082, OMIM 162300.
Pheochromocytoma. Also called: MAX-Related Hereditary Paraganglioma-Pheochromocytoma Syndrome. Identifiers: Orphanet 29072, MedGen C0031511, MONDO:0008233, OMIM 171300, HP:0002666.
Familial medullary thyroid carcinoma (MTC). Also called: Thyroid cancer, familial medullary; MTC, familial; Familial Medullary Thyroid Carcinoma (FMTC). Identifiers: Orphanet 653, Orphanet 99361, MedGen C1833921, MONDO:0007958, OMIM 155240.
Multiple endocrine neoplasia type 2A. Also called: Multiple Endocrine Neoplasia Type 2A (MEN2A); MULTIPLE ENDOCRINE NEOPLASIA, TYPE IIA; PTC SYNDROME; SIPPLE SYNDROME; MEN 2A; MEN-2A syndrome. Identifiers: Orphanet 247698, Orphanet 653, MedGen C0025268, MeSH D018813, MONDO:0008234, OMIM 171400.
RET-related disorder. Also called: RET-related condition; RET-related disease; RET-related disorders.

Allele frequency attached by ClinVar (database versions not stated): gnomAD 0.00004 and 0.00005; ExAC 0.00005; gnomAD exomes 0.00005 and 0.00006; TOPMed 0.00005; ESP Exome Variant Server 0.00008.
gnomAD v4.1: 92 of 1,613,570 alleles (0.0057%); highest among the groups gnomAD compares: Middle Eastern, 0.049%; no homozygotes.

Submissions (7):

Labcorp Genetics (formerly Invitae), Labcorp
Classification: Likely benign for Multiple endocrine neoplasia, type 2. Last evaluated: 2026-01-26. Review status: criteria provided, single submitter. Criteria: Invitae Variant Classification Sherloc (09022015). Collection method: clinical testing. Allele origin: germline.

CeGaT Center for Human Genetics Tuebingen
Classification: Likely benign. Last evaluated: 2025-09-01. Review status: criteria provided, single submitter. Criteria: CeGaT Center For Human Genetics Tuebingen Variant Classification Criteria Version 2. Collection method: clinical testing. Allele origin: germline. Affected: yes. Observed: 3 variant alleles.
Comment: RET: BP4, BP7

PreventionGenetics, part of Exact Sciences
Classification: Likely benign for RET-related condition. Last evaluated: 2025-05-27. Review status: criteria provided, single submitter. Criteria: ACMG Guidelines, 2015. Collection method: clinical testing. Allele origin: germline.
Comment: This variant is classified as likely benign based on ACMG/AMP sequence variant interpretation guidelines (Richards et al. 2015 PMID: 25741868, with internal and published modifications).

Color Diagnostics, LLC DBA Color Health
Classification: Likely benign for Multiple endocrine neoplasia, type 2. Last evaluated: 2022-11-06. Review status: criteria provided, single submitter. Criteria: ACMG Guidelines, 2015. Collection method: clinical testing. Allele origin: germline.

Fulgent Genetics
Classification: Likely benign for Hirschsprung disease, susceptibility to, 1; Familial medullary thyroid carcinoma; Multiple endocrine neoplasia type 2B; Pheochromocytoma; Multiple endocrine neoplasia type 2A. Last evaluated: 2021-11-10. Review status: criteria provided, single submitter. Criteria: ACMG Guidelines, 2015. Collection method: clinical testing. Allele origin: unknown.

Blueprint Genetics
Classification: Likely benign. Last evaluated: 2019-03-18. Review status: criteria provided, single submitter. Criteria: ACMG Guidelines, 2015. Collection method: clinical testing. Allele origin: germline.

Ambry Genetics
Classification: Likely benign for Hereditary cancer-predisposing syndrome. Last evaluated: 2016-06-15. Review status: criteria provided, single submitter. Criteria: Ambry Variant Classification Scheme 2023. Collection method: clinical testing. Allele origin: germline.